The following is an entry in ClinVar:

NM_000059.4(BRCA2):c.5835_5843dup (p.Cys1948Ter)

Gene: BRCA2 (BRCA2 DNA repair associated; plus strand). Cytogenetic location: 13q13.1.
Variant type: Duplication.
Coding change: c.5835_5843dup on transcript NM_000059.4 (MANE Select); coding-DNA positions 5835 to 5843, 9 bases duplicated (ATCACCTTG; older notation c.5835_5843dupATCACCTTG).
Protein change: p.Cys1948Ter; replaces cysteine 1948 with a stop codon.
Molecular consequence: nonsense.
Genome position (GRCh38, 1-based): chr13:32,340,190-32,340,198, ATCACCTTG duplicated. VCF-style (leftmost placement, unchanged base first): chr13-32340189-T-TATCACCTTG. GRCh37 (hg19) VCF-style: chr13-32914326-T-TATCACCTTG.
Other names: c.5835_5843dupATCACCTTG (NM_000059.3); short protein forms C1948*.
Identifiers: ClinVar variation 51947 (VCV000051947.3), dbSNP rs397507809, ClinGen allele CA023293.
Genomic context (GRCh38, chr13:32,340,189, plus strand): 5'-AGAGTGAAGAAATTTTACAACATAACCAAAATATGTCTGGATTGGAGAAAGTTTCTAAAA[T>TATCACCTTG]ATCACCTTGTGATGTTAGTTTGGAAACTTCAGATATATGTAAATGTAGTATAGGGAAGCT-3'

ClinVar aggregate classification (germline): Pathogenic. Review status: reviewed by expert panel (3 of 4 stars). 2 submissions from 2 submitters: Pathogenic (1). 1 of the submissions does not count toward it. Last evaluated 2017-12-15.

Conditions:
Familial cancer of breast. Also called: BREAST CANCER, FAMILIAL; Hereditary breast cancer; hereditary breast carcinoma. Identifiers: Orphanet 227535, MedGen C0346153, MONDO:0016419, OMIM 114480. Disease mechanism: loss of function.
Breast-ovarian cancer, familial, susceptibility to, 2 (BROVCA2). Also called: BRCA2 Hereditary Breast and Ovarian Cancer. Identifiers: Orphanet 145, MedGen C2675520, MONDO:0012933, OMIM 612555. Disease mechanism: loss of function.

Submissions (2):

Evidence-based Network for the Interpretation of Germline Mutant Alleles (ENIGMA)
Classification: Pathogenic for Breast-ovarian cancer, familial, susceptibility to, 2. Last evaluated: 2017-12-15. Review status: reviewed by expert panel. Criteria: ENIGMA BRCA1/2 Classification Criteria (2017-06-29). Collection method: curation. Allele origin: germline. Study: ENIGMA.
Comment: Variant allele predicted to encode a truncated non-functional protein.

ClinVar Staff, National Center for Biotechnology Information (NCBI)
No classification provided. Condition: Familial cancer of breast. Review status: no classification provided. Collection method: literature only. Allele origin: germline. Affected: yes. Not counted in ClinVar's aggregate classification.

Literature cited by the submitters: PubMed 22762150 (cited by ClinVar Staff, National Center for Biotechnology Information (NCBI)).